The following is an entry in ClinVar:

NM_001372066.1(TFAP2A):c.303G>C (p.Gln101His)

Gene: TFAP2A (transcription factor AP-2 alpha; minus strand). Cytogenetic location: 6p24.3.
Variant type: single nucleotide variant.
Coding change: c.303G>C on transcript NM_001372066.1 (MANE Select); coding-DNA position 303, G replaced by C.
Protein change: p.Gln101His; replaces glutamine 101 with histidine.
Molecular consequence: missense variant.
Genome position (GRCh38, 1-based): chr6:10,410,084, C>G on the plus strand (G>C on the coding strand, the complement: TFAP2A is on the minus strand). VCF-style: chr6-10410084-C-G. GRCh37 (hg19) VCF-style: chr6-10410317-C-G.
Other names: NM_003220.2:c.297G>C; c.279G>C, p.Gln93His (NM_001032280.3); c.285G>C, p.Gln95His (NM_001042425.3); short protein forms Q95H, Q101H, Q93H.
Identifiers: ClinVar variation 4984836 (VCV004984836.1).
Genomic context (GRCh38, chr6:10,410,084, plus strand): 5'-CGACAGCTGGTGAGGCAGCCCCCGGTGCGTGTGCAGGAGCCCAGACTCCTGGCTCTGCCT[C>G]TGGCCGGGCCAGCCTGGGTGCTGCGGCTGCGGCTGGGCGTGCAGGGGGTTCAGGCTGTAG-3'
Protein context (NP_001358995.1, residues 91-111): PQPQHPGWPG[Gln101His]RQSQESGLLH

ClinVar aggregate classification (germline): Uncertain significance (1 of 4 stars; one submission).

Conditions:
TFAP2A-related disorder. Also called: TFAP2A-related condition.

Submission:

PreventionGenetics, part of Exact Sciences
Classification: Uncertain significance for TFAP2A-related condition. Last evaluated: 2026-08-07. Review status: criteria provided, single submitter. Criteria: ACMG Guidelines, 2015. Collection method: clinical testing. Allele origin: germline.
Comment: The TFAP2A c.297G>C variant is predicted to result in the amino acid substitution p.Gln99His. To our knowledge, this variant has not been reported in the literature. This variant is reported in 0.0064% of alleles in individuals of African descent in gnomAD. At this time, the clinical significance of this variant is uncertain due to the absence of conclusive functional and genetic evidence.